The following is an entry in ClinVar:

ClinVar aggregate classification (germline): Likely benign. Review status: criteria provided, multiple submitters, no conflicts (2 of 4 stars). 3 submissions from 3 submitters: Likely benign (3). Last evaluated 2023-04-03.

Conditions:
Hereditary cancer-predisposing syndrome. Also called: Tumor predisposition; Hereditary neoplastic syndrome; Hereditary Cancer Syndrome; Neoplastic Syndromes, Hereditary. Identifiers: Orphanet 140162, MedGen C0027672, MeSH D009386, MONDO:0015356.
Familial adenomatous polyposis 1 (FAP1). Also called: POLYPOSIS, ADENOMATOUS INTESTINAL; FAMILIAL ADENOMATOUS POLYPOSIS 1, ATTENUATED. Identifiers: MedGen C2713442, MONDO:0021056, OMIM 175100. Disease mechanism: loss of function.
Classic or attenuated familial adenomatous polyposis. Identifiers: MedGen CN372698, MONDO:0021057.

Submissions (3):

All of Us Research Program, National Institutes of Health
Classification: Likely benign for Classic or attenuated familial adenomatous polyposis. Last evaluated: 2023-04-03. Review status: criteria provided, single submitter. Criteria: ACMG Guidelines, 2015. Collection method: clinical testing. Allele origin: germline. Inheritance: Autosomal dominant inheritance. Observed: 1 variant allele, 1 heterozygote.
Comment: This study involves interpretation of variants in research participants for the purpose of population health screening. Participant phenotype was not available at the time of variant classification. Additional details can be found in publication PMID: 35346344, PMCID: PMC8962531

Color Diagnostics, LLC DBA Color Health
Classification: Likely benign for Hereditary cancer-predisposing syndrome. Last evaluated: 2023-03-14. Review status: criteria provided, single submitter. Criteria: ACMG Guidelines, 2015. Collection method: clinical testing. Allele origin: germline.

Labcorp Genetics (formerly Invitae), Labcorp
Classification: Likely benign for Familial adenomatous polyposis 1. Last evaluated: 2020-05-15. Review status: criteria provided, single submitter. Criteria: Invitae Variant Classification Sherloc (09022015). Collection method: clinical testing. Allele origin: germline.

NM_000038.6(APC):c.4653A>G (p.Lys1551=)

Gene: APC (APC regulator of Wnt signaling pathway; plus strand). Cytogenetic location: 5q22.2.
Variant type: single nucleotide variant.
Coding change: c.4653A>G on transcript NM_000038.6 (MANE Select); coding-DNA position 4653, A replaced by G.
Protein change: p.Lys1551=; no amino-acid change (lysine 1551 retained).
Molecular consequence: synonymous variant.
Genome position (GRCh38, 1-based): chr5:112,840,247, A>G. VCF-style: chr5-112840247-A-G. GRCh37 (hg19) VCF-style: chr5-112175944-A-G.
Other names: c.4653A>G, p.Lys1551= (NM_001127510.3, NM_001354895.2); c.4599A>G, p.Lys1533= (NM_001127511.3); c.4707A>G, p.Lys1569= (NM_001354896.2); c.4683A>G, p.Lys1561= (NM_001354897.2); c.4578A>G, p.Lys1526= (NM_001354898.2); c.4569A>G, p.Lys1523= (NM_001354899.2); c.4530A>G, p.Lys1510= (NM_001354900.2); c.4476A>G, p.Lys1492= (NM_001354901.2); and 5 more.
Identifiers: ClinVar variation 1097069 (VCV001097069.12), dbSNP rs2149920153, ClinGen allele CA446206647.